The following is an entry in ClinVar:

ClinVar aggregate classification (germline): Uncertain significance (1 of 4 stars; one submission).

Conditions:
Hypertrophic cardiomyopathy. Also called: HYPERTROPHIC MYOCARDIOPATHY. Identifiers: Orphanet 217569, MedGen C0007194, MeSH D002312, MONDO:0005045, HP:0001639.

Submission:

Labcorp Genetics (formerly Invitae), Labcorp
Classification: Uncertain significance for Hypertrophic cardiomyopathy. Last evaluated: 2025-02-16. Review status: criteria provided, single submitter. Criteria: Invitae Variant Classification Sherloc (09022015). Collection method: clinical testing. Allele origin: germline.
Comment: This sequence change replaces leucine, which is neutral and non-polar, with valine, which is neutral and non-polar, at codon 1715 of the MYH7 protein (p.Leu1715Val). This variant is not present in population databases (gnomAD no frequency). This variant has not been reported in the literature in individuals affected with MYH7-related conditions. ClinVar contains an entry for this variant (Variation ID: 2119736). Invitae Evidence Modeling of protein sequence and biophysical properties (such as structural, functional, and spatial information, amino acid conservation, physicochemical variation, residue mobility, and thermodynamic stability) indicates that this missense variant is expected to disrupt MYH7 protein function with a positive predictive value of 95%. In summary, the available evidence is currently insufficient to determine the role of this variant in disease. Therefore, it has been classified as a Variant of Uncertain Significance.

NM_000257.4(MYH7):c.5143C>G (p.Leu1715Val)

Genes: MHRT (myosin heavy chain associated RNA transcript; plus strand), MYH7 (myosin heavy chain 7; minus strand), LOC126861897 (BRD4-independent group 4 enhancer GRCh37_chr14:23884455-23885654; plus strand). Cytogenetic location: 14q11.2.
Variant type: single nucleotide variant.
Coding change: c.5143C>G on transcript NM_000257.4 (MANE Select); coding-DNA position 5143, C replaced by G.
Protein change: p.Leu1715Val; replaces leucine 1715 with valine.
Molecular consequence: missense variant. On other transcripts: non-coding transcript variant (1).
Genome position (GRCh38, 1-based): chr14:23,415,643, G>C on the plus strand (C>G on the coding strand, the complement: MYH7 is on the minus strand). VCF-style: chr14-23415643-G-C. GRCh37 (hg19) VCF-style: chr14-23884852-G-C.
Other names: c.5143C>G, p.Leu1715Val (NM_001407004.1); short protein forms L1715V.
Identifiers: ClinVar variation 2119736 (VCV002119736.4), dbSNP rs2502242184, ClinGen allele CA389036877.